The following is an entry in ClinVar:

NM_001130987.2(DYSF):c.4221+5del

Gene: DYSF (dysferlin; plus strand). Cytogenetic location: 2p13.2.
Variant type: Deletion.
Coding change: c.4221+5del on transcript NM_001130987.2 (MANE Select); 5 bases into the intron after coding-DNA position 4221, one base deleted (G; older notation c.4221+5delG).
Molecular consequence: intron variant.
Genome position (GRCh38, 1-based): chr2:71,611,631, G deleted. VCF-style (leftmost placement, unchanged base first): chr2-71611630-AG-A. GRCh37 (hg19) VCF-style: chr2-71838760-AG-A.
Other names: c.4260+5del (NM_001130979.2); c.4218+5del (NM_001130981.2, NM_001130980.2); c.4167+5del (NM_001130978.2, NM_003494.4); c.4125+5del (NM_001130977.2, NM_001130976.2); c.4263+5del (NM_001130982.2); c.4221+5del (NM_001130985.2); c.4170+5del (NM_001130983.2, NM_001130455.2); c.4128+5del (NM_001130984.2, NM_001130986.2).
Identifiers: ClinVar variation 813978 (VCV000813978.1), dbSNP rs1574341049, ClinGen allele CA658820644.
Genomic context (GRCh38, chr2:71,611,630, plus strand): 5'-ATCAGGAACCTCCGGAAGAACCCCAACTTTGACATCTGCACCCTCTTCATGGAAGTGGTG[AG>A]CCCCACCTCCCTACTGTCCCCTTCCAGAGTCCTGGGGCTAGAAGTTCTACATGTCCCCGA-3'

ClinVar aggregate classification (germline): Likely pathogenic (1 of 4 stars; one submission).

Conditions:
Autosomal recessive limb-girdle muscular dystrophy type 2B (LGMDR2). Also called: Limb-girdle muscular dystrophy, type 2B; Limb-Girdle Muscular Dystrophy Type 2B (LGMD2B); MUSCULAR DYSTROPHY, LIMB-GIRDLE, TYPE 3; MUSCULAR DYSTROPHY, LIMB-GIRDLE, AUTOSOMAL RECESSIVE 2. Identifiers: Orphanet 268, MedGen C1850889, MONDO:0009676, OMIM 253601.

Submission:

Broad Center for Mendelian Genomics, Broad Institute of MIT and Harvard
Classification: Likely pathogenic for Autosomal recessive limb-girdle muscular dystrophy type 2B. Last evaluated: 2018-12-03. Review status: criteria provided, single submitter. Criteria: ACMG Guidelines, 2015. Collection method: research. Allele origin: germline. Inheritance: Autosomal recessive inheritance. Affected: yes.
Comment: This variant was absent from large population studies. This variant is located in the 5' splice region. Computational tools do suggest an impact to splicing (destruction of a natural splice site with a nearby, out of frame, cryptic splice site) that affects the C2 protein domain, which is involved in targetting proteins to cell membranes. However, this information is not predictive enough to determine pathogenicity. Loss of function of the DYSF gene is an established disease mechanism in autosomal recessive LGMD, and this is a loss of function variant. In summary, although additional studies are required to fully establish its clinical significance, the c.4221+5delG variant is likely pathogenic. ACMG/AMP Criteria applied: PM2, PVS1_Strong (Richards 2015).